The following is an entry in ClinVar:

NM_138694.4(PKHD1):c.-15A>G

Gene: PKHD1 (PKHD1 ciliary IPT domain containing fibrocystin/polyductin; minus strand). Cytogenetic location: 6p12.2.
Variant type: single nucleotide variant.
Coding change: c.-15A>G on transcript NM_138694.4 (MANE Select); 15 bases upstream of the start codon, A replaced by G.
Molecular consequence: 5 prime UTR variant.
Genome position (GRCh38, 1-based): chr6:52,084,948, T>C on the plus strand (A>G on the coding strand, the complement: PKHD1 is on the minus strand). VCF-style: chr6-52084948-T-C. GRCh37 (hg19) VCF-style: chr6-51949746-T-C.
Other names: c.-15A>G (NM_170724.3).
Identifiers: ClinVar variation 4981833 (VCV004981833.1).

ClinVar aggregate classification (germline): Likely benign (1 of 4 stars; one submission).

Conditions:
PKHD1-related disorder. Also called: PKHD1-related condition.

gnomAD v4.1: 45 of 1,557,312 alleles (0.0029%); highest among the groups gnomAD compares: Non-Finnish European, 0.004%; no homozygotes.

Submission:

PreventionGenetics, part of Exact Sciences
Classification: Likely benign for PKHD1-related condition. Last evaluated: 2026-07-20. Review status: criteria provided, single submitter. Criteria: ACMG Guidelines, 2015. Collection method: clinical testing. Allele origin: germline.
Comment: This variant is classified as likely benign based on ACMG/AMP sequence variant interpretation guidelines (Richards et al. 2015 PMID: 25741868, with internal and published modifications).